The following is an entry in ClinVar:

ClinVar aggregate classification (germline): Uncertain significance (1 of 4 stars; one submission).

Submission:

Ambry Genetics
Classification: Uncertain significance. Last evaluated: 2022-01-07. Review status: criteria provided, single submitter. Criteria: Ambry Variant Classification Scheme 2023. Collection method: clinical testing. Allele origin: germline.
Comment: The p.S197C variant (also known as c.590C>G), located in coding exon 1 of the PALLD gene, results from a C to G substitution at nucleotide position 590. The serine at codon 197 is replaced by cysteine, an amino acid with dissimilar properties. This amino acid position is conserved. In addition, the in silico prediction for this alteration is inconclusive. Since supporting evidence is limited at this time, the clinical significance of this alteration remains unclear.

NM_001166108.2(PALLD):c.590C>G (p.Ser197Cys)

Gene: PALLD (palladin, cytoskeletal associated protein; plus strand). Cytogenetic location: 4q32.3.
Variant type: single nucleotide variant.
Coding change: c.590C>G on transcript NM_001166108.2 (MANE Select); coding-DNA position 590, C replaced by G.
Protein change: p.Ser197Cys; replaces serine 197 with cysteine.
Molecular consequence: missense variant.
Genome position (GRCh38, 1-based): chr4:168,512,094, C>G. VCF-style: chr4-168512094-C-G. GRCh37 (hg19) VCF-style: chr4-169433245-C-G.
Other names: c.590C>G, p.Ser197Cys (NM_016081.4); short protein forms S197C.
Identifiers: ClinVar variation 1750440 (VCV001750440.2), dbSNP rs2531434294, ClinGen allele CA358726370.